The following is an entry in ClinVar:

ClinVar aggregate classification (germline): Likely pathogenic (1 of 4 stars; one submission).

Conditions:
Spinocerebellar ataxia type 40. Identifiers: Orphanet 423275, MedGen C4518336, MONDO:0014475, OMIM 616053.

Allele frequency attached by ClinVar (database versions not stated): gnomAD 0.00001.
gnomAD v4.1: 9 of 1,604,290 alleles (0.00056%); highest among the groups gnomAD compares: African/African-American, 0.0067%; no homozygotes.

Submission:

Department of Biochemistry, Faculty of Medicine, University of Khartoum
Classification: Likely pathogenic for Spinocerebellar ataxia type 40. Last evaluated: 2020-12-22. Review status: criteria provided, single submitter. Criteria: ACMG Guidelines, 2015. Collection method: research, in vitro. Allele origin: unknown, not applicable. Inheritance: Autosomal dominant inheritance. Affected: yes. Observed: 1 heterozygote.
Comment: Mutations in CCDC88C were recently implicated in the development of the autosomal dominant spinocerebellar ataxia type 40 (SCA40; OMIM # 616053) (LeÃ…â€žska-Mieciek et al., 2019; Tsoi et al., 2014). Sift, Polyphen2 HDIV, Mutation Taster, Provean, and M-cap and it had a CADD score of 25. To validate the pathogenicity of the NM_001080414.4:c.1993G>A (p.E665K ) variant, we expressed the CCDC88C cDNA in Human Embryonic Kidney (HEK) 293 cells and assessed its effect on c-Jun N-terminal kinase (JNK) / caspase-3 signaling pathway according to the presence or absence of the variant. Overexpressing CCDC88C(E665K) mutant protein caused a significant increase of JNK hyperphosphorylation and caspase-3 cleavage compared to the wild type protein, a pattern also seen when overexpressing the known SCA40 pathogenic proteins CCDC88C(D43N) and CCDC88C(R464H). In summary, the variant NM_001080414.4:c.1993G>A meets the criteria of the ACMG guidelines, 2015, based upon segregation studies, functional evidence, and In-Silico prediction.

NM_001080414.4(CCDC88C):c.1993G>A (p.Glu665Lys)

Gene: CCDC88C (coiled-coil domain containing 88C; minus strand). Cytogenetic location: 14q32.11.
Variant type: single nucleotide variant.
Coding change: c.1993G>A on transcript NM_001080414.4 (MANE Select); coding-DNA position 1993, G replaced by A.
Protein change: p.Glu665Lys; replaces glutamic acid 665 with lysine.
Molecular consequence: missense variant.
Genome position (GRCh38, 1-based): chr14:91,313,823, C>T on the plus strand (G>A on the coding strand, the complement: CCDC88C is on the minus strand). VCF-style: chr14-91313823-C-T. GRCh37 (hg19) VCF-style: chr14-91780167-C-T.
Other names: short protein forms E665K.
Identifiers: ClinVar variation 978819 (VCV000978819.5), dbSNP rs956104232, ClinGen allele CA265570300.